The following is an entry in ClinVar:

NM_001110556.2(FLNA):c.7403G>A (p.Gly2468Asp)

Gene: FLNA (filamin A; minus strand). Cytogenetic location: Xq28.
Variant type: single nucleotide variant.
Coding change: c.7403G>A on transcript NM_001110556.2 (MANE Select); coding-DNA position 7403, G replaced by A.
Protein change: p.Gly2468Asp; replaces glycine 2468 with aspartic acid.
Molecular consequence: missense variant.
Genome position (GRCh38, 1-based): chrX:154,349,798, C>T on the plus strand (G>A on the coding strand, the complement: FLNA is on the minus strand). VCF-style: chrX-154349798-C-T. GRCh37 (hg19) VCF-style: chrX-153578166-C-T.
Other names: c.7379G>A, p.Gly2460Asp (NM_001456.4); short protein forms G2460D, G2468D.
Identifiers: ClinVar variation 1805376 (VCV001805376.1), dbSNP rs2522713931, ClinGen allele CA415182702.

ClinVar aggregate classification (germline): Uncertain significance (1 of 4 stars; one submission).

Conditions:
Heterotopia, periventricular, X-linked dominant (PVNH1). Also called: PERIVENTRICULAR NODULAR HETEROTOPIA 1; X-linked periventricular heterotopia; HETEROTOPIA, PERIVENTRICULAR, 1; PERIVENTRICULAR NODULAR HETEROTOPIA 4. Identifiers: Orphanet 2149, Orphanet 82004, MedGen C1848213, MONDO:0010233, OMIM 300049.

Submission:

Victorian Clinical Genetics Services, Murdoch Childrens Research Institute
Classification: Uncertain significance for Heterotopia, periventricular, X-linked dominant. Last evaluated: 2022-03-31. Review status: criteria provided, single submitter. Criteria: ACMG Guidelines, 2015. Collection method: clinical testing. Allele origin: germline. Inheritance: X-linked dominant inheritance. Affected: yes.
Comment: Based on the classification scheme VCGS_Germline_v1.3.4, this variant is classified as VUS-3A. Following criteria are met: 0103 - Loss of function and gain of function are known mechanisms of disease in this gene. Loss of function is the mechanism for periventricular nodular heterotopia, EDS X-linked cardiac valvular dystrophy and gastrointestinal diseases. Whereas gain of function leading to the Oto-palato-digital spectrum of disease (PMID: 30089473). (I) 0110 - This gene is associated with X-linked disease. Variants causing periventricular nodular heterotopia are generally located within the CH1 domain, filamin repeats 1-4, 15, 16 and 21-24. Oto-palato-digital spectrum of disease is caused by missense and small-inframe deletions located in the CH2 domain and filamin repeats 9-11 and 14-16. Gastrointestinal diseases are caused by variants located within the first two methionines and duplications of multiple filamin repeats. Finally, cardiac valvular dystrophy are due to missense or splice variants affecting highly consesrved amino acids in five of the protein's first seven filamin repeats (1,4,5,6,7) (PMID: 30089473). (I) 0200 - Variant is predicted to result in a missense amino acid change from glycine to aspartic acid. (I) 0253 - This variant is hemizygous. (I) 0301 - Variant is absent from gnomAD (both v2 and v3). (SP) 0501 - Missense variant consistently predicted to be damaging by multiple in silico tools or highly conserved with a major amino acid change. (SP) 0600 - Variant is located in the annotated filamin repeat 23 (Uniprot, DECIPHER). (I) 0705 - No comparable missense variants have previous evidence for pathogenicity. (I) 0807 - This variant has no previous evidence of pathogenicity. (I) 0905 - No published segregation evidence has been identified for this variant. (I) 1007 - No published functional evidence has been identified for this variant. (SP) Legend: (SP) - Supporting pathogenic, (I) - Information, (SB) - Supporting benign

Literature cited by the submitters: PubMed 30089473.